The following is an entry in ClinVar:

NM_017617.5(NOTCH1):c.376A>G (p.Lys126Glu)

Gene: NOTCH1 (notch receptor 1; minus strand). Cytogenetic location: 9q34.3.
Variant type: single nucleotide variant.
Coding change: c.376A>G on transcript NM_017617.5 (MANE Select); coding-DNA position 376, A replaced by G.
Protein change: p.Lys126Glu; replaces lysine 126 with glutamic acid.
Molecular consequence: missense variant.
Genome position (GRCh38, 1-based): chr9:136,523,744, T>C on the plus strand (A>G on the coding strand, the complement: NOTCH1 is on the minus strand). VCF-style: chr9-136523744-T-C. GRCh37 (hg19) VCF-style: chr9-139418196-T-C.
Other names: c.376A>G, p.Lys126Glu (LRG_1122t1); short protein forms K126E.
Identifiers: ClinVar variation 654896 (VCV000654896.10), dbSNP rs1589072528, ClinGen allele CA375572518.

ClinVar aggregate classification (germline): Uncertain significance. Review status: criteria provided, multiple submitters, no conflicts (2 of 4 stars). 2 submissions from 2 submitters: Uncertain significance (2). Last evaluated 2023-04-14.

Conditions:
Familial thoracic aortic aneurysm and aortic dissection (TAAD). Also called: Thoracic aortic aneurysms and dissections. Identifiers: Orphanet 91387, MedGen C4707243, MONDO:0019625.
Adams-Oliver syndrome 5 (AOS5). Identifiers: Orphanet 974, MedGen C4014970, MONDO:0014459, OMIM 616028.

Allele frequency attached by ClinVar (database versions not stated): gnomAD exomes below 0.00001.
gnomAD v4.1: 2 of 1,610,304 alleles (0.00012%); highest among the groups gnomAD compares: Non-Finnish European, 0.000085%; no homozygotes.

Submissions (2):

Ambry Genetics
Classification: Uncertain significance for Familial thoracic aortic aneurysm and aortic dissection. Last evaluated: 2023-04-14. Review status: criteria provided, single submitter. Criteria: Ambry Variant Classification Scheme 2023. Collection method: clinical testing. Allele origin: germline.
Comment: The p.K126E variant (also known as c.376A>G), located in coding exon 3 of the NOTCH1 gene, results from an A to G substitution at nucleotide position 376. The lysine at codon 126 is replaced by glutamic acid, an amino acid with similar properties. This amino acid position is conserved. In addition, this alteration is predicted to be tolerated by in silico analysis. Since supporting evidence is limited at this time, the clinical significance of this alteration remains unclear.

Labcorp Genetics (formerly Invitae), Labcorp
Classification: Uncertain significance for Adams-Oliver syndrome 5. Last evaluated: 2018-09-24. Review status: criteria provided, single submitter. Criteria: Invitae Variant Classification Sherloc (09022015). Collection method: clinical testing. Allele origin: germline.
Comment: In summary, the available evidence is currently insufficient to determine the role of this variant in disease. Therefore, it has been classified as a Variant of Uncertain Significance. Algorithms developed to predict the effect of missense changes on protein structure and function are either unavailable or do not agree on the potential impact of this missense change (SIFT: "Deleterious"; PolyPhen-2: "Benign"; Align-GVGD: "Class C15"). This variant has not been reported in the literature in individuals with NOTCH1-related disease. This variant is not present in population databases (ExAC no frequency). This sequence change replaces lysine with glutamic acid at codon 126 of the NOTCH1 protein (p.Lys126Glu). The lysine residue is highly conserved and there is a small physicochemical difference between lysine and glutamic acid.